The following is an entry in ClinVar:

ClinVar aggregate classification (germline): Conflicting classifications of pathogenicity. Review status: criteria provided, conflicting classifications (1 of 4 stars). 3 submissions from 3 submitters: Uncertain significance (1); Likely benign (2). Last evaluated 2025-05-05.

Conditions:
Hajdu-Cheney syndrome (HJCYS). Also called: ACROOSTEOLYSIS WITH OSTEOPOROSIS AND CHANGES IN SKULL AND MANDIBLE; SERPENTINE FIBULA-POLYCYSTIC KIDNEY SYNDROME; Acroosteolysis dominant type. Identifiers: Orphanet 955, MedGen C0917715, MONDO:0007057, OMIM 102500.
Alagille syndrome due to a NOTCH2 point mutation. Also called: Alagille syndrome 2. Identifiers: Orphanet 261629, Orphanet 52, MedGen C1857761, MONDO:0012439, OMIM 610205.
Inborn genetic diseases. Identifiers: MedGen C0950123, MeSH D030342.

Allele frequency attached by ClinVar (database versions not stated): ExAC 0.00002; gnomAD 0.00002; gnomAD exomes 0.00002; TOPMed 0.00002; ESP Exome Variant Server 0.00008.
gnomAD v4.1: 30 of 1,614,126 alleles (0.0019%); highest among the groups gnomAD compares: Non-Finnish European, 0.0025%; no homozygotes.

Submissions (3):

Labcorp Genetics (formerly Invitae), Labcorp
Classification: Uncertain significance for Hajdu-Cheney syndrome. Last evaluated: 2025-05-05. Review status: criteria provided, single submitter. Criteria: Invitae Variant Classification Sherloc (09022015). Collection method: clinical testing. Allele origin: germline.
Comment: This sequence change replaces leucine, which is neutral and non-polar, with tryptophan, which is neutral and slightly polar, at codon 834 of the NOTCH2 protein (p.Leu834Trp). This variant is present in population databases (rs376526633, gnomAD 0.004%). This variant has not been reported in the literature in individuals affected with NOTCH2-related conditions. ClinVar contains an entry for this variant (Variation ID: 1449908). Invitae Evidence Modeling of protein sequence and biophysical properties (such as structural, functional, and spatial information, amino acid conservation, physicochemical variation, residue mobility, and thermodynamic stability) has been performed for this missense variant. However, the output from this modeling did not meet the statistical confidence thresholds required to predict the impact of this variant on NOTCH2 protein function. In summary, the available evidence is currently insufficient to determine the role of this variant in disease. Therefore, it has been classified as a Variant of Uncertain Significance.

Ambry Genetics
Classification: Likely benign for Inborn genetic diseases. Last evaluated: 2025-02-25. Review status: criteria provided, single submitter. Criteria: Ambry Variant Classification Scheme 2023. Collection method: clinical testing. Allele origin: germline.

Fulgent Genetics
Classification: Likely benign for Hajdu-Cheney syndrome; Alagille syndrome due to a NOTCH2 point mutation. Last evaluated: 2024-05-08. Review status: criteria provided, single submitter. Criteria: ACMG Guidelines, 2015. Collection method: clinical testing. Allele origin: germline.

NM_024408.4(NOTCH2):c.2501T>G (p.Leu834Trp)

Gene: NOTCH2 (notch receptor 2; minus strand). Cytogenetic location: 1p12.
Variant type: single nucleotide variant.
Coding change: c.2501T>G on transcript NM_024408.4 (MANE Select); coding-DNA position 2501, T replaced by G.
Protein change: p.Leu834Trp; replaces leucine 834 with tryptophan.
Molecular consequence: missense variant.
Genome position (GRCh38, 1-based): chr1:119,949,105, A>C on the plus strand (T>G on the coding strand, the complement: NOTCH2 is on the minus strand). VCF-style: chr1-119949105-A-C. GRCh37 (hg19) VCF-style: chr1-120491728-A-C.
Other names: c.2501T>G, p.Leu834Trp (NM_001200001.2); c.2501T>G (NM_024408.3); short protein forms L834W.
Identifiers: ClinVar variation 1449908 (VCV001449908.9), dbSNP rs376526633, ClinGen allele CA1040260.